The following is an entry in ClinVar:

NM_000198.4(HSD3B2):c.1060G>T (p.Glu354Ter)

Gene: HSD3B2 (hydroxy-delta-5-steroid dehydrogenase, 3 beta- and steroid delta-isomerase 2; plus strand). Cytogenetic location: 1p12.
Variant type: single nucleotide variant.
Coding change: c.1060G>T on transcript NM_000198.4 (MANE Select); coding-DNA position 1060, G replaced by T.
Protein change: p.Glu354Ter; replaces glutamic acid 354 with a stop codon.
Molecular consequence: nonsense.
Genome position (GRCh38, 1-based): chr1:119,422,561, G>T. VCF-style: chr1-119422561-G-T. GRCh37 (hg19) VCF-style: chr1-119965184-G-T.
Other names: c.1060G>T, p.Glu354Ter (NM_001166120.2); short protein forms E354*.
Identifiers: ClinVar variation 4069563 (VCV004069563.2).

ClinVar aggregate classification (germline): Likely pathogenic (1 of 4 stars; one submission).

Conditions:
3 beta-Hydroxysteroid dehydrogenase deficiency. Also called: 3-BETA-HSD DEFICIENCY; ADRENAL HYPERPLASIA II; 3b-hydroxysteroid dehydrogenase deficiency; ADRENAL HYPERPLASIA, CONGENITAL, DUE TO 3-BETA-HYDROXYSTEROID DEHYDROGENASE 2 DEFICIENCY; Congenital adrenal hyperplasia due to 3-beta-hydroxysteroid dehydrogenase deficiency. Identifiers: Orphanet 90791, MedGen C0342471, MeSH C538236, MONDO:0008727, OMIM 201810. Disease mechanism: loss of function.

Submission:

Natera, Inc.
Classification: Likely pathogenic for 3 beta hydroxysteroid dehydrogenase deficiency. Last evaluated: 2025-04-03. Review status: criteria provided, single submitter. Criteria: Natera Variant Classification Schema (03/2026). Collection method: clinical testing. Allele origin: germline.
Comment: The c.1060G>T variant in HSD3B2 is a nonsense variant predicted to introduce a stop codon at amino acid 354. This variant is expected to result in nonsense mediated decay, truncation, or a dysfunctional protein product. This variant is rare in the general population with a frequency below the threshold expected for the associated phenotype(s). Given the available evidence, this variant is classified as Likely Pathogenic.